The following is an entry in ClinVar:

NM_002617.4(PEX10):c.976C>T (p.Arg326Cys)

Gene: PEX10 (peroxisomal biogenesis factor 10; minus strand). Cytogenetic location: 1p36.32.
Variant type: single nucleotide variant.
Coding change: c.976C>T on transcript NM_002617.4 (MANE Select); coding-DNA position 976, C replaced by T.
Protein change: p.Arg326Cys; replaces arginine 326 with cysteine.
Molecular consequence: missense variant. On other transcripts: non-coding transcript variant (1).
Genome position (GRCh38, 1-based): chr1:2,405,771, G>A on the plus strand (C>T on the coding strand, the complement: PEX10 is on the minus strand). VCF-style: chr1-2405771-G-A. GRCh37 (hg19) VCF-style: chr1-2337210-G-A.
Other names: c.1033C>T, p.Arg345Cys (NM_001374425.1); c.601C>T, p.Arg201Cys (NM_001374426.1); c.544C>T, p.Arg182Cys (NM_001374427.1); c.1036C>T, p.Arg346Cys (NM_153818.2); c.1036C>T (NM_153818.1); short protein forms R182C, R345C, R326C, R346C, R201C.
Identifiers: ClinVar variation 2141745 (VCV002141745.2), dbSNP rs566941490, ClinGen allele CA537940.
Genomic context (GRCh38, chr1:2,405,771, plus strand): 5'-TGGCGTTCAGACTCCCGTAGAGGTCATCTGTGTCCAGGCCCACCCGGGCGCCGGCTCAGC[G>A]GTAGTGCCGAAGGTAGATGAGCTTCTGGGGAGGGAACTTCTCCCGGCAGAGGGGACACTC-3'
Protein context (NP_002608.1, residues 316-326): PQKLIYLRHY[Arg326Cys]

ClinVar aggregate classification (germline): Uncertain significance. Review status: criteria provided, multiple submitters, no conflicts (2 of 4 stars). 2 submissions from 2 submitters: Uncertain significance (2). Last evaluated 2025-01-22.

Conditions:
Inborn genetic diseases. Identifiers: MedGen C0950123, MeSH D030342.
Peroxisome biogenesis disorder, complementation group 7 (CG7). Also called: Peroxisome biogenesis disorder, complementation group B. Identifiers: MedGen C1864399.

Allele frequency attached by ClinVar (database versions not stated): ExAC 0.00007.

Submissions (2):

Ambry Genetics
Classification: Uncertain significance for Inborn genetic diseases. Last evaluated: 2025-01-22. Review status: criteria provided, single submitter. Criteria: Ambry Variant Classification Scheme 2023. Collection method: clinical testing. Allele origin: germline.

Labcorp Genetics (formerly Invitae), Labcorp
Classification: Uncertain significance for Peroxisome biogenesis disorder, complementation group 7. Last evaluated: 2022-05-05. Review status: criteria provided, single submitter. Criteria: Invitae Variant Classification Sherloc (09022015). Collection method: clinical testing. Allele origin: germline.
Comment: This sequence change replaces arginine, which is basic and polar, with cysteine, which is neutral and slightly polar, at codon 346 of the PEX10 protein (p.Arg346Cys). The frequency data for this variant in the population databases is considered unreliable, as metrics indicate poor data quality at this position in the gnomAD database. This variant has not been reported in the literature in individuals affected with PEX10-related conditions. Algorithms developed to predict the effect of missense changes on protein structure and function are either unavailable or do not agree on the potential impact of this missense change (SIFT: "Deleterious"; PolyPhen-2: "Probably Damaging"; Align-GVGD: "Class C0"). In summary, the available evidence is currently insufficient to determine the role of this variant in disease. Therefore, it has been classified as a Variant of Uncertain Significance.